The following is an entry in ClinVar:

NC_000018.9:g.(?_59992586)_(59992680_?)dup

Gene: TNFRSF11A (TNF receptor superfamily member 11a; plus strand). Cytogenetic location: 18q21.33.
Variant type: Duplication.
Identifiers: ClinVar variation 1374425 (VCV001374425.5).

ClinVar aggregate classification (germline): Uncertain significance (1 of 4 stars; one submission).

Submission:

Labcorp Genetics (formerly Invitae), Labcorp
Classification: Uncertain significance. Last evaluated: 2024-01-01. Review status: criteria provided, single submitter. Criteria: Invitae Variant Classification Sherloc (09022015). Collection method: clinical testing. Allele origin: germline.
Comment: This variant results in a copy number gain of the genomic region encompassing exon(s) 1 of the TNFRSF11A gene. This region includes the initiator codon of the gene. This copy number gain extends beyond the assayed region for this gene and therefore may encompass additional genes. As the precise location of this event is unknown, it may be in tandem or it may be located elsewhere in the genome. This variant has not been reported in the literature in individuals affected with TNFRSF11A-related conditions. In summary, the available evidence is currently insufficient to determine the role of this variant in disease. Therefore, it has been classified as a Variant of Uncertain Significance.